The following is an entry in ClinVar:

NM_021096.4(CACNA1I):c.6557A>G (p.Lys2186Arg)

Gene: CACNA1I (calcium voltage-gated channel subunit alpha1 I; plus strand). Cytogenetic location: 22q13.1.
Variant type: single nucleotide variant.
Coding change: c.6557A>G on transcript NM_021096.4 (MANE Select); coding-DNA position 6557, A replaced by G.
Protein change: p.Lys2186Arg; replaces lysine 2186 with arginine.
Molecular consequence: missense variant.
Genome position (GRCh38, 1-based): chr22:39,686,290, A>G. VCF-style: chr22-39686290-A-G. GRCh37 (hg19) VCF-style: chr22-40082295-A-G.
Other names: c.6452A>G, p.Lys2151Arg (NM_001003406.2); short protein forms K2186R, K2151R.
Identifiers: ClinVar variation 5009582 (VCV005009582.1).

ClinVar aggregate classification (germline): Uncertain significance (1 of 4 stars; one submission).

Submission:

GeneDx
Classification: Uncertain significance. Last evaluated: 2026-03-21. Review status: criteria provided, single submitter. Criteria: GeneDx Variant Classification Process June 2021. Collection method: clinical testing. Allele origin: germline.
Comment: Not observed at significant frequency in large population cohorts (gnomAD); In silico analysis suggests that this missense variant does not alter protein structure/function; Has not been previously published as pathogenic or benign to our knowledge